The following is an entry in ClinVar:

NM_006231.4(POLE):c.3620C>G (p.Pro1207Arg)

Gene: POLE (DNA polymerase epsilon, catalytic subunit; minus strand). Cytogenetic location: 12q24.33.
Variant type: single nucleotide variant.
Coding change: c.3620C>G on transcript NM_006231.4 (MANE Select); coding-DNA position 3620, C replaced by G.
Protein change: p.Pro1207Arg; replaces proline 1207 with arginine.
Molecular consequence: missense variant.
Genome position (GRCh38, 1-based): chr12:132,649,852, G>C on the plus strand (C>G on the coding strand, the complement: POLE is on the minus strand). VCF-style: chr12-132649852-G-C. GRCh37 (hg19) VCF-style: chr12-133226438-G-C.
Other names: short protein forms P1207R.
Identifiers: ClinVar variation 935302 (VCV000935302.11), dbSNP rs144086049, ClinGen allele CA387386953.

ClinVar aggregate classification (germline): Uncertain significance. Review status: criteria provided, multiple submitters, no conflicts (2 of 4 stars). 3 submissions from 3 submitters: Uncertain significance (3). Last evaluated 2026-02-11.

Conditions:
Colorectal cancer, susceptibility to, 12 (CRCS12). Also called: COLORECTAL CANCER, SUSCEPTIBILITY TO, ON CHROMOSOME 12q24. Identifiers: Orphanet 220460, MedGen C3554460, MONDO:0014038, OMIM 615083.

Submissions (3):

St. Jude Molecular Pathology, St. Jude Children's Research Hospital
Classification: Uncertain significance for Colorectal cancer, susceptibility to, 12. Last evaluated: 2026-02-11. Review status: criteria provided, single submitter. Criteria: St. Jude Assertion Criteria 2020. Collection method: clinical testing. Allele origin: germline.
Comment: The POLE c.3620C>G p.(Pro1207Arg) missense change is absent in gnomAD v2.1.1. The in silico tool REVEL predicts a benign effect on protein function, but to our knowledge this prediction has not been confirmed by functional studies. To our knowledge, this variant has not been reported in the literature in individuals with POLE-related disease. In summary, the evidence currently available is insufficient to determine the clinical significance of this variant. It has therefore been classified as of uncertain significance.

Labcorp Genetics (formerly Invitae), Labcorp
Classification: Uncertain significance. Last evaluated: 2024-09-06. Review status: criteria provided, single submitter. Criteria: Invitae Variant Classification Sherloc (09022015). Collection method: clinical testing. Allele origin: germline.
Comment: This sequence change replaces proline, which is neutral and non-polar, with arginine, which is basic and polar, at codon 1207 of the POLE protein (p.Pro1207Arg). This variant is not present in population databases (gnomAD no frequency). This variant has not been reported in the literature in individuals affected with POLE-related conditions. ClinVar contains an entry for this variant (Variation ID: 935302). Invitae Evidence Modeling of protein sequence and biophysical properties (such as structural, functional, and spatial information, amino acid conservation, physicochemical variation, residue mobility, and thermodynamic stability) indicates that this missense variant is not expected to disrupt POLE protein function with a negative predictive value of 80%. In summary, the available evidence is currently insufficient to determine the role of this variant in disease. Therefore, it has been classified as a Variant of Uncertain Significance.

GeneDx
Classification: Uncertain significance. Last evaluated: 2022-05-20. Review status: criteria provided, single submitter. Criteria: GeneDx Variant Classification Process June 2021. Collection method: clinical testing. Allele origin: germline. Affected: yes.
Comment: Not observed at significant frequency in large population cohorts (gnomAD); In silico analysis supports that this missense variant does not alter protein structure/function; Has not been previously published as pathogenic or benign to our knowledge